The following is an entry in ClinVar:

NM_017534.6(MYH2):c.5260G>T (p.Ala1754Ser)

Genes: MYH2 (myosin heavy chain 2; minus strand), MYHAS (myosin heavy chain gene cluster antisense RNA; plus strand). Cytogenetic location: 17p13.1.
Variant type: single nucleotide variant.
Coding change: c.5260G>T on transcript NM_017534.6 (MANE Select); coding-DNA position 5260, G replaced by T.
Protein change: p.Ala1754Ser; replaces alanine 1754 with serine.
Molecular consequence: missense variant.
Genome position (GRCh38, 1-based): chr17:10,523,800, C>A on the plus strand (G>T on the coding strand, the complement: MYH2 is on the minus strand). VCF-style: chr17-10523800-C-A. GRCh37 (hg19) VCF-style: chr17-10427117-C-A.
Other names: c.5260G>T, p.Ala1754Ser (NM_001100112.2); short protein forms A1754S.
Identifiers: ClinVar variation 1420035 (VCV001420035.6), dbSNP rs2073314725, ClinGen allele CA398117873.

ClinVar aggregate classification (germline): Uncertain significance (1 of 4 stars; one submission).

Conditions:
Myopathy, proximal, and ophthalmoplegia (CMYO6). Also called: MYOPATHY WITH CONGENITAL JOINT CONTRACTURES, OPHTHALMOPLEGIA, AND RIMMED VACUOLES; INCLUSION BODY MYOPATHY 3, AUTOSOMAL DOMINANT; CONGENITAL MYOPATHY 6 WITH OPHTHALMOPLEGIA. Identifiers: Orphanet 363677, Orphanet 79091, MedGen C1854106, MONDO:0011577, OMIM 605637.

gnomAD v4.1: 1 of 1,614,216 alleles (0.000062%); highest among the groups gnomAD compares: Non-Finnish European, 0.000085%; no homozygotes.

Submission:

Labcorp Genetics (formerly Invitae), Labcorp
Classification: Uncertain significance for Myopathy, proximal, and ophthalmoplegia. Last evaluated: 2021-09-21. Review status: criteria provided, single submitter. Criteria: Invitae Variant Classification Sherloc (09022015). Collection method: clinical testing. Allele origin: germline.
Comment: Algorithms developed to predict the effect of missense changes on protein structure and function (SIFT, PolyPhen-2, Align-GVGD) all suggest that this variant is likely to be tolerated. This variant has not been reported in the literature in individuals affected with MYH2-related conditions. In summary, the available evidence is currently insufficient to determine the role of this variant in disease. Therefore, it has been classified as a Variant of Uncertain Significance. This sequence change replaces alanine with serine at codon 1754 of the MYH2 protein (p.Ala1754Ser). The alanine residue is highly conserved and there is a moderate physicochemical difference between alanine and serine. This variant is not present in population databases (ExAC no frequency).